The following is an entry in ClinVar:

ClinVar aggregate classification (germline): Uncertain significance (1 of 4 stars; one submission).

Allele frequency attached by ClinVar (database versions not stated): gnomAD 0.00003; gnomAD exomes 0.00006 and 0.00001; TOPMed 0.00001; ExAC 0.00006.

Submission:

Labcorp Genetics (formerly Invitae), Labcorp
Classification: Uncertain significance. Last evaluated: 2024-05-20. Review status: criteria provided, single submitter. Criteria: Invitae Variant Classification Sherloc (09022015). Collection method: clinical testing. Allele origin: germline.
Comment: This sequence change results in a frameshift in the LRRC10 gene (p.Pro270Hisfs*60). While this is not anticipated to result in nonsense mediated decay, it is expected to disrupt the last 8 amino acid(s) of the LRRC10 protein and extend the protein by 51 additional amino acid residues. This variant is present in population databases (rs766326895, gnomAD 0.07%), and has an allele count higher than expected for a pathogenic variant. This variant has not been reported in the literature in individuals affected with LRRC10-related conditions. ClinVar contains an entry for this variant (Variation ID: 857127). Experimental studies and prediction algorithms are not available or were not evaluated, and the functional significance of this variant is currently unknown. In summary, the available evidence is currently insufficient to determine the role of this variant in disease. Therefore, it has been classified as a Variant of Uncertain Significance.

NM_201550.4(LRRC10):c.809_812del (p.Pro270fs)

Gene: LRRC10 (leucine rich repeat containing 10; minus strand). Cytogenetic location: 12q15.
Variant type: Deletion.
Coding change: c.809_812del on transcript NM_201550.4 (MANE Select); coding-DNA positions 809 to 812, 4 bases deleted (CTCT; older notation c.809_812delCTCT).
Protein change: p.Pro270fs; shifts the reading frame from proline 270.
Molecular consequence: frameshift variant.
Genome position (GRCh38, 1-based): chr12:69,610,027-69,610,030, AGAG deleted on the plus strand (CTCT on the coding strand, the reverse complement: LRRC10 is on the minus strand). VCF-style (leftmost placement, unchanged base first): chr12-69610026-TAGAG-T. GRCh37 (hg19) VCF-style: chr12-70003806-TAGAG-T.
Other names: short protein forms P270fs.
Identifiers: ClinVar variation 857127 (VCV000857127.9), dbSNP rs766326895, ClinGen allele CA6680984.